The following is an entry in ClinVar:

ClinVar aggregate classification (germline): Pathogenic. Review status: criteria provided, multiple submitters, no conflicts (2 of 4 stars). 6 submissions from 6 submitters: Pathogenic (6). Last evaluated 2026-01-26.

Conditions:
Pyridoxine-dependent epilepsy (EPEO4). Also called: Pyridoxine-Dependent Seizures; Pyridoxine-Dependent Epilepsy - ALDH7A1; PYRIDOXINE DEPENDENCY WITH SEIZURES; EPILEPSY, EARLY-ONSET, 4, VITAMIN B6-DEPENDENT. Identifiers: Orphanet 3006, MedGen C1849508, MONDO:0009945, OMIM 266100. Disease mechanism: loss of function.

Allele frequency attached by ClinVar (database versions not stated): gnomAD 0.00004; TOPMed 0.00008; ExAC 0.00009; gnomAD exomes 0.00009 and 0.00014.
gnomAD v4.1: 210 of 1,614,052 alleles (0.013%); highest among the groups gnomAD compares: Admixed American, 0.035%; no homozygotes.

Submissions (6):

Labcorp Genetics (formerly Invitae), Labcorp
Classification: Pathogenic for Pyridoxine-dependent epilepsy. Last evaluated: 2026-01-26. Review status: criteria provided, single submitter. Criteria: Invitae Variant Classification Sherloc (09022015). Collection method: clinical testing. Allele origin: germline.
Comment: This sequence change replaces glycine, which is neutral and non-polar, with arginine, which is basic and polar, at codon 505 of the ALDH7A1 protein (p.Gly505Arg). This variant is present in population databases (rs556400964, gnomAD 0.03%). This missense change has been observed in individual(s) with pyridoxine-dependent epilepsy (PMID: 19128417, 20554659, 20814824, 23350806, 24942048). This variant is also known as c.1429G>C, p.Gly477Arg. ClinVar contains an entry for this variant (Variation ID: 204852). Invitae Evidence Modeling of protein sequence and biophysical properties (such as structural, functional, and spatial information, amino acid conservation, physicochemical variation, residue mobility, and thermodynamic stability) indicates that this missense variant is expected to disrupt ALDH7A1 protein function with a positive predictive value of 95%. Experimental studies have shown that this missense change affects ALDH7A1 function (PMID: 22784480). For these reasons, this variant has been classified as Pathogenic.

Genome-Nilou Lab
Classification: Pathogenic for Pyridoxine-dependent epilepsy. Last evaluated: 2023-04-11. Review status: criteria provided, single submitter. Criteria: ACMG Guidelines, 2015. Collection method: clinical testing. Allele origin: germline. Affected: no.

GeneDx
Classification: Pathogenic. Last evaluated: 2023-03-21. Review status: criteria provided, single submitter. Criteria: GeneDx Variant Classification Process June 2021. Collection method: clinical testing. Allele origin: germline. Affected: yes.
Comment: Published functional studies demonstrate this variant abolishes ATQ enzyme activity (Coulter-Mackie et al., 2014); In silico analysis supports that this missense variant has a deleterious effect on protein structure/function; This variant is associated with the following publications: (PMID: 31440721, 22784480, 19128417, 22728861, 30043187, 31980526, 32685344, 31589614, 24613284, 23350806, 20814824)

Revvity Omics, Revvity
Classification: Pathogenic for Pyridoxine-dependent epilepsy. Last evaluated: 2023-03-07. Review status: criteria provided, single submitter. Criteria: ACMG Guidelines, 2015. Collection method: clinical testing. Allele origin: germline.

Women's Health and Genetics/Laboratory Corporation of America, LabCorp
Classification: Pathogenic for Pyridoxine-dependent epilepsy. Last evaluated: 2022-05-03. Review status: criteria provided, single submitter. Criteria: LabCorp Variant Classification Summary - May 2015. Collection method: clinical testing. Allele origin: germline.
Comment: Variant summary: ALDH7A1 c.1513G>C (p.Gly505Arg, also reported as p.Gly477Arg) results in a non-conservative amino acid change located in the Aldehyde dehydrogenase domain (IPR015590) of the encoded protein sequence. Five of five in-silico tools predict a damaging effect of the variant on protein function. The variant allele was found at a frequency of 8.8e-05 in 251310 control chromosomes (gnomAD). This frequency is not significantly higher than expected for a pathogenic variant in ALDH7A1 causing Pyridoxine-Dependent Epilepsy (8.8e-05 vs 0.0018), allowing no conclusion about variant significance. c.1513G>C has been reported in the literature in multiple compound heterozygous individuals affected with Pyridoxine-Dependent Epilepsy (e.g. Bennett_2009, Alfadhel_2012, Perez_2013, Kava_2020) and at least one homozygous individual (Perez_2013). These data indicate that the variant is very likely to be associated with disease. One publication using an E.coli expression system found that ALDH7A1 protein with the variant had less than 3% enzymatic activity (Coulter-Mackie_2012). Four ClinVar submitters have assessed the variant since 2014: all four classified the variant as pathogenic. Based on the evidence outlined above, the variant was classified as pathogenic.

Fulgent Genetics
Classification: Pathogenic for Pyridoxine-dependent epilepsy. Last evaluated: 2018-10-31. Review status: criteria provided, single submitter. Criteria: ACMG Guidelines, 2015. Collection method: clinical testing. Allele origin: unknown.

Literature cited by the submitters: PubMed 19128417 (cited by Labcorp Genetics (formerly Invitae), Labcorp and Women's Health and Genetics/Laboratory Corporation of America, LabCorp); PubMed 20554659 (cited by Labcorp Genetics (formerly Invitae), Labcorp); PubMed 20814824 (cited by Labcorp Genetics (formerly Invitae), Labcorp); PubMed 23350806 (cited by Labcorp Genetics (formerly Invitae), Labcorp and Women's Health and Genetics/Laboratory Corporation of America, LabCorp); PubMed 24942048 (cited by Labcorp Genetics (formerly Invitae), Labcorp); PubMed 22784480 (cited by Labcorp Genetics (formerly Invitae), Labcorp and Women's Health and Genetics/Laboratory Corporation of America, LabCorp); PubMed 22728861 (cited by Women's Health and Genetics/Laboratory Corporation of America, LabCorp); PubMed 32685344 (cited by Women's Health and Genetics/Laboratory Corporation of America, LabCorp).

NM_001182.5(ALDH7A1):c.1513G>C (p.Gly505Arg)

Gene: ALDH7A1 (aldehyde dehydrogenase 7 family member A1; minus strand). Cytogenetic location: 5q23.2.
Variant type: single nucleotide variant.
Coding change: c.1513G>C on transcript NM_001182.5 (MANE Select); coding-DNA position 1513, G replaced by C.
Protein change: p.Gly505Arg; replaces glycine 505 with arginine.
Molecular consequence: missense variant.
Genome position (GRCh38, 1-based): chr5:126,546,376, C>G on the plus strand (G>C on the coding strand, the complement: ALDH7A1 is on the minus strand). VCF-style: chr5-126546376-C-G. GRCh37 (hg19) VCF-style: chr5-125882068-C-G.
Other names: p.G505R:GGC>CGC; c.1429G>C, p.Gly477Arg (NM_001201377.2); c.1321G>C, p.Gly441Arg (NM_001202404.2); short protein forms G505R, G477R, G441R.
Identifiers: ClinVar variation 204852 (VCV000204852.23), dbSNP rs556400964, ClinGen allele CA313211.